The following is an entry in ClinVar:

NM_213599.3(ANO5):c.1332+8A>G

Gene: ANO5 (anoctamin 5; plus strand). Cytogenetic location: 11p14.3.
Variant type: single nucleotide variant.
Coding change: c.1332+8A>G on transcript NM_213599.3 (MANE Select); 8 bases into the intron after coding-DNA position 1332, A replaced by G.
Molecular consequence: intron variant.
Genome position (GRCh38, 1-based): chr11:22,255,530, A>G. VCF-style: chr11-22255530-A-G. GRCh37 (hg19) VCF-style: chr11-22277076-A-G.
Other names: c.1332+8A>G (NM_213599.2); c.1329+8A>G (NM_001142649.2).
Identifiers: ClinVar variation 502665 (VCV000502665.18), dbSNP rs368857740, ClinGen allele CA5923199.

ClinVar aggregate classification (germline): Conflicting classifications of pathogenicity. Review status: criteria provided, conflicting classifications (1 of 4 stars). 4 submissions from 4 submitters: Uncertain significance (2); Likely benign (1). 1 of the submissions does not count toward it. Last evaluated 2025-12-29.

Conditions:
ANO5-related disorder. Also called: ANO5-related condition; ANO5-related disorders. Identifiers: MedGen CN239193.
Gnathodiaphyseal dysplasia (GDD). Also called: OSTEOGENESIS IMPERFECTA WITH UNUSUAL SKELETAL LESIONS; GNATHODIAPHYSEAL SCLEROSIS. Identifiers: Orphanet 53697, MedGen C1833736, MONDO:0008151, OMIM 166260.
Autosomal recessive limb-girdle muscular dystrophy type 2L (LGMDR12). Also called: Limb-girdle muscular dystrophy, type 2L; Limb-Girdle Muscular Dystrophy R12 Anoctamin-5-Related (LGMD-R12); MUSCULAR DYSTROPHY, LIMB-GIRDLE, AUTOSOMAL RECESSIVE 12. Identifiers: Orphanet 206549, MedGen C1969785, MONDO:0012652, OMIM 611307.

Allele frequency attached by ClinVar (database versions not stated): gnomAD exomes below 0.00001 and 0.00001; ExAC 0.00002; ESP Exome Variant Server 0.00008; TOPMed 0.00008; gnomAD 0.00009.
gnomAD v4.1: 35 of 1,612,666 alleles (0.0022%); highest among the groups gnomAD compares: African/African-American, 0.036%; no homozygotes.

Submissions (4):

Labcorp Genetics (formerly Invitae), Labcorp
Classification: Likely benign for Autosomal recessive limb-girdle muscular dystrophy type 2L; Gnathodiaphyseal dysplasia. Last evaluated: 2025-12-29. Review status: criteria provided, single submitter. Criteria: Invitae Variant Classification Sherloc (09022015). Collection method: clinical testing. Allele origin: germline.

Revvity Omics, Revvity
Classification: Uncertain significance. Last evaluated: 2023-01-27. Review status: criteria provided, single submitter. Criteria: ACMG Guidelines, 2015. Collection method: clinical testing. Allele origin: germline.

Eurofins Ntd Llc (ga)
Classification: Uncertain significance. Last evaluated: 2017-06-20. Review status: criteria provided, single submitter. Criteria: EGL Classification Definitions 2015. Collection method: clinical testing. Allele origin: germline. Observed: 1 variant allele, 1 heterozygote.

PreventionGenetics, part of Exact Sciences
Classification: Likely benign for ANO5-related condition. Last evaluated: 2020-09-23. Review status: no assertion criteria provided. Collection method: clinical testing. Allele origin: germline. Not counted in ClinVar's aggregate classification.
Comment: This variant is classified as likely benign based on ACMG/AMP sequence variant interpretation guidelines (Richards et al. 2015 PMID: 25741868, with internal and published modifications).